The following is an entry in ClinVar:

ClinVar aggregate classification (germline): Uncertain significance. Review status: criteria provided, multiple submitters, no conflicts (2 of 4 stars). 2 submissions from 2 submitters: Uncertain significance (2). Last evaluated 2026-07-06.

Conditions:
Hereditary cancer-predisposing syndrome. Also called: Hereditary Cancer Syndrome; Tumor predisposition; Neoplastic Syndromes, Hereditary; Hereditary neoplastic syndrome. Identifiers: Orphanet 140162, MedGen C0027672, MeSH D009386, MONDO:0015356.
Familial adenomatous polyposis 1 (FAP1). Also called: POLYPOSIS, ADENOMATOUS INTESTINAL; FAMILIAL ADENOMATOUS POLYPOSIS 1, ATTENUATED. Identifiers: MedGen C2713442, MONDO:0021056, OMIM 175100. Disease mechanism: loss of function.

Submissions (2):

Ambry Genetics
Classification: Uncertain significance for Hereditary cancer-predisposing syndrome. Last evaluated: 2026-07-06. Review status: criteria provided, single submitter. Criteria: Ambry Variant Classification Scheme 2023. Collection method: clinical testing. Allele origin: germline.
Comment: The p.K1821R variant (also known as c.5462A>G), located in coding exon 15 of the APC gene, results from an A to G substitution at nucleotide position 5462. The lysine at codon 1821 is replaced by arginine, an amino acid with highly similar properties. This amino acid position is conserved. In addition, in silico predictors for this gene do not accurately predict pathogenicity. Based on the available evidence, the clinical significance of this variant remains unclear.

Labcorp Genetics (formerly Invitae), Labcorp
Classification: Uncertain significance for Familial adenomatous polyposis 1. Last evaluated: 2025-09-27. Review status: criteria provided, single submitter. Criteria: Invitae Variant Classification Sherloc (09022015). Collection method: clinical testing. Allele origin: germline.
Comment: This sequence change replaces lysine, which is basic and polar, with arginine, which is basic and polar, at codon 1821 of the APC protein (p.Lys1821Arg). This variant is not present in population databases (gnomAD no frequency). This variant has not been reported in the literature in individuals affected with APC-related conditions. ClinVar contains an entry for this variant (Variation ID: 1497707). Invitae Evidence Modeling of protein sequence and biophysical properties (such as structural, functional, and spatial information, amino acid conservation, physicochemical variation, residue mobility, and thermodynamic stability) indicates that this missense variant is not expected to disrupt APC protein function with a negative predictive value of 95%. In summary, the available evidence is currently insufficient to determine the role of this variant in disease. Therefore, it has been classified as a Variant of Uncertain Significance.

NM_000038.6(APC):c.5462A>G (p.Lys1821Arg)

Gene: APC (APC regulator of Wnt signaling pathway; plus strand). Cytogenetic location: 5q22.2.
Variant type: single nucleotide variant.
Coding change: c.5462A>G on transcript NM_000038.6 (MANE Select); coding-DNA position 5462, A replaced by G.
Protein change: p.Lys1821Arg; replaces lysine 1821 with arginine.
Molecular consequence: missense variant.
Genome position (GRCh38, 1-based): chr5:112,841,056, A>G. VCF-style: chr5-112841056-A-G. GRCh37 (hg19) VCF-style: chr5-112176753-A-G.
Other names: c.5462A>G, p.Lys1821Arg (NM_001127510.3, NM_001354895.2); c.5408A>G, p.Lys1803Arg (NM_001127511.3); c.5516A>G, p.Lys1839Arg (NM_001354896.2); c.5492A>G, p.Lys1831Arg (NM_001354897.2); c.5387A>G, p.Lys1796Arg (NM_001354898.2); c.5378A>G, p.Lys1793Arg (NM_001354899.2); c.5339A>G, p.Lys1780Arg (NM_001354900.2); c.5285A>G, p.Lys1762Arg (NM_001354901.2); and 6 more; short protein forms K1538R, K1661R, K1720R, K1762R, K1796R, K1803R, K1695R, K1780R.
Identifiers: ClinVar variation 1497707 (VCV001497707.7), dbSNP rs2149940786, ClinGen allele CA16033281.